The following is an entry in ClinVar:

NM_015488.5(PNKD):c.142G>A (p.Glu48Lys)

Gene: PNKD (PNKD metallo-beta-lactamase domain containing; plus strand). Cytogenetic location: 2q35.
Variant type: single nucleotide variant.
Coding change: c.142G>A on transcript NM_015488.5 (MANE Select); coding-DNA position 142, G replaced by A.
Protein change: p.Glu48Lys; replaces glutamic acid 48 with lysine.
Molecular consequence: missense variant.
Genome position (GRCh38, 1-based): chr2:218,271,455, G>A. VCF-style: chr2-218271455-G-A. GRCh37 (hg19) VCF-style: chr2-219136178-G-A.
Other names: c.142G>A, p.Glu48Lys (NM_001077399.3); short protein forms E48K.
Identifiers: ClinVar variation 1046635 (VCV001046635.9), dbSNP rs1318681160, ClinGen allele CA350544728.

ClinVar aggregate classification (germline): Uncertain significance. Review status: criteria provided, multiple submitters, no conflicts (2 of 4 stars). 2 submissions from 2 submitters: Uncertain significance (2). Last evaluated 2025-01-30.

Conditions:
Paroxysmal nonkinesigenic dyskinesia. Also called: Paroxysmal non-kinesigenic dyskinesia. Identifiers: Orphanet 98810, MedGen C1869117, MONDO:0700088.

Allele frequency attached by ClinVar (database versions not stated): gnomAD exomes below 0.00001; gnomAD 0.00001; TOPMed 0.00001.
gnomAD v4.1: 4 of 1,614,022 alleles (0.00025%); highest among the groups gnomAD compares: Admixed American, 0.0017%; no homozygotes.

Submissions (2):

Labcorp Genetics (formerly Invitae), Labcorp
Classification: Uncertain significance for Paroxysmal nonkinesigenic dyskinesia. Last evaluated: 2025-01-30. Review status: criteria provided, single submitter. Criteria: Invitae Variant Classification Sherloc (09022015). Collection method: clinical testing. Allele origin: germline.
Comment: This sequence change replaces glutamic acid, which is acidic and polar, with lysine, which is basic and polar, at codon 48 of the PNKD protein (p.Glu48Lys). This variant is present in population databases (no rsID available, gnomAD no frequency). This variant has not been reported in the literature in individuals affected with PNKD-related conditions. ClinVar contains an entry for this variant (Variation ID: 1046635). An algorithm developed to predict the effect of missense changes on protein structure and function (PolyPhen-2) suggests that this variant is likely to be tolerated. In summary, the available evidence is currently insufficient to determine the role of this variant in disease. Therefore, it has been classified as a Variant of Uncertain Significance.

Blueprint Genetics
Classification: Uncertain significance. Last evaluated: 2023-08-28. Review status: criteria provided, single submitter. Criteria: ACMG Guidelines, 2015. Collection method: clinical testing. Allele origin: germline.